The following is an entry in ClinVar:

NM_004999.4(MYO6):c.1656G>A (p.Lys552=)

Gene: MYO6 (myosin VI; plus strand). Cytogenetic location: 6q14.1.
Variant type: single nucleotide variant.
Coding change: c.1656G>A on transcript NM_004999.4 (MANE Select); coding-DNA position 1656, G replaced by A.
Protein change: p.Lys552=; no amino-acid change (lysine 552 retained).
Molecular consequence: synonymous variant. On other transcripts: non-coding transcript variant (1).
Genome position (GRCh38, 1-based): chr6:75,862,705, G>A. VCF-style: chr6-75862705-G-A. GRCh37 (hg19) VCF-style: chr6-76572422-G-A.
Other names: p.Lys552=; c.1656G>A, p.Lys552= (NM_001300899.2, NM_001368136.1, NM_001368137.1 and 2 more transcripts); c.1641G>A, p.Lys547= (NM_001368138.1).
Identifiers: ClinVar variation 45138 (VCV000045138.53), dbSNP rs111033431, ClinGen allele CA135599.
Genomic context (GRCh38, chr6:75,862,705, plus strand): 5'-AAATCGCCTTCCCCAGCCAAGTGATCAACACTTTACATCTGCAGTTCACCAAAAGCACAA[G>A]GATCATTTTCGACTCACTGTGAGTTTTGCCATTCTGAAATTGAGACTATGGTGGGACGAG-3'
Protein context (NP_004990.3, residues 542-562): HFTSAVHQKH[Lys552=]DHFRLTIPRK

ClinVar aggregate classification (germline): Conflicting classifications of pathogenicity. Review status: criteria provided, conflicting classifications (1 of 4 stars). 8 submissions from 7 submitters: Uncertain significance (1); Benign (5); Likely benign (2). Last evaluated 2026-04-01.

Conditions:
Autosomal dominant nonsyndromic hearing loss 22. Also called: DFNA 22; Autosomal dominant nonsyndromic deafness 22. Identifiers: Orphanet 228012, MedGen C2931767, MONDO:0011660, OMIM 606346.
Autosomal recessive nonsyndromic hearing loss 37. Identifiers: Orphanet 90636, MedGen C1843028, MONDO:0011912, OMIM 607821.

Allele frequency attached by ClinVar (database versions not stated): gnomAD exomes 0.00040 and 0.00117; ExAC 0.00134; 1000 Genomes Project 0.00439; ESP Exome Variant Server 0.00446; gnomAD 0.00448 and 0.00479; 1000 Genomes Project 30x 0.00453; TOPMed 0.00473.
gnomAD v4.1: 1,310 of 1,614,076 alleles (0.081%); highest among the groups gnomAD compares: African/African-American, 1.4%; 7 homozygotes.

Submissions (8):

CeGaT Center for Human Genetics Tuebingen
Classification: Likely benign. Last evaluated: 2026-04-01. Review status: criteria provided, single submitter. Criteria: CeGaT Center For Human Genetics Tuebingen Variant Classification Criteria Version 2. Collection method: clinical testing. Allele origin: germline. Affected: yes. Observed: 2 variant alleles.
Comment: MYO6: BP4, BP7, BS1

Labcorp Genetics (formerly Invitae), Labcorp
Classification: Benign. Last evaluated: 2025-09-28. Review status: criteria provided, single submitter. Criteria: Invitae Variant Classification Sherloc (09022015). Collection method: clinical testing. Allele origin: germline.

Mayo Clinic Laboratories, Mayo Clinic
Classification: Benign. Last evaluated: 2024-10-24. Review status: criteria provided, single submitter. Criteria: ACMG Guidelines, 2015. Collection method: clinical testing. Allele origin: germline. Observed: 1 variant allele.
Comment: BA1, BS2

Blueprint Genetics
Classification: Likely benign. Last evaluated: 2024-10-07. Review status: criteria provided, single submitter. Criteria: ACMG Guidelines, 2015. Collection method: clinical testing. Allele origin: germline.

GeneDx
Classification: Benign. Last evaluated: 2019-03-29. Review status: criteria provided, single submitter. Criteria: GeneDx Variant Classification Process June 2021. Collection method: clinical testing. Allele origin: germline. Affected: yes.

Illumina Laboratory Services, Illumina
Classification: Benign for Autosomal dominant nonsyndromic hearing loss 22. Last evaluated: 2018-01-12. Review status: criteria provided, single submitter. Criteria: ICSL Variant Classification Criteria 13 December 2019. Collection method: clinical testing. Allele origin: germline.
Comment: This variant was observed in the ICSL laboratory as part of a predisposition screen in an ostensibly healthy population. It had not been previously curated by ICSL or reported in the Human Gene Mutation Database (HGMD: prior to June 1st, 2018), and was therefore a candidate for classification through an automated scoring system. Utilizing variant allele frequency, disease prevalence and penetrance estimates, and inheritance mode, an automated score was calculated to assess if this variant is too frequent to cause the disease. Based on the score and internal cut-off values, a variant classified as benign is not then subjected to further curation. The score for this variant resulted in a classification of benign for this disease.

Illumina Laboratory Services, Illumina
Classification: Uncertain significance for Autosomal recessive nonsyndromic hearing loss 37. Last evaluated: 2018-01-12. Review status: criteria provided, single submitter. Criteria: ICSL Variant Classification Criteria 13 December 2019. Collection method: clinical testing. Allele origin: germline.

Laboratory for Molecular Medicine, Mass General Brigham Personalized Medicine
Classification: Benign. Last evaluated: 2011-12-15. Review status: criteria provided, single submitter. Criteria: LMM Criteria. Collection method: clinical testing. Allele origin: germline. Observed: 6 variant alleles.
Comment: Lys552Lys in exon 16 of MYO6: This variant is not expected to have clinical sign ificance because it does not alter an amino acid residue, is not located within the splice consensus sequence, has been identified in 1.3% (50/3738) of chromoso mes from a broad African American population and 0.03% (2/7020) from a broad Eur opean American population (dbSNP rs111033431)